The following is an entry in ClinVar:

NM_004409.5(DMPK):c.1790T>A (p.Val597Asp)

Genes: DM1-AS (DM1 locus antisense RNA; plus strand), DMPK (DM1 protein kinase; minus strand), LOC107075317 (origin of replication in DMPK trinucleotide repeat region; plus strand), LOC129929041 (ATAC-STARR-seq lymphoblastoid active region 14820; plus strand). Cytogenetic location: 19q13.32.
Variant type: single nucleotide variant.
Coding change: c.1790T>A on transcript NM_004409.5 (MANE Select); coding-DNA position 1790, T replaced by A.
Protein change: p.Val597Asp; replaces valine 597 with aspartic acid.
Molecular consequence: missense variant. On other transcripts: 3 prime UTR variant (3).
Genome position (GRCh38, 1-based): chr19:45,770,588, A>T on the plus strand (T>A on the coding strand, the complement: DMPK is on the minus strand). VCF-style: chr19-45770588-A-T. GRCh37 (hg19) VCF-style: chr19-46273846-A-T.
Other names: c.1775T>A, p.Val592Asp (NM_001081560.3); c.1771T>A, p.Phe591Ile (NM_001081562.3); c.1820T>A, p.Val607Asp (NM_001081563.3); c.1868T>A, p.Val623Asp (NM_001288764.2); c.1519T>A, p.Phe507Ile (NM_001288765.2); c.*45T>A (NM_001288766.2, NM_001424164.1, NM_001424168.1); c.1786T>A, p.Phe596Ile (NM_001424162.1); c.1864T>A, p.Phe622Ile (NM_001424163.1); and 3 more; short protein forms F449I, F507I, F591I, F596I, F622I, V562D, V567D, V592D.
Identifiers: ClinVar variation 3047105 (VCV003047105.2), dbSNP rs201332435, ClinGen allele CA9520905.
Genomic context (GRCh38, chr19:45,770,588, plus strand): 5'-GTGAGTTGGCCGGCGTGGGCCACCAACCCAATGCAGCCCAGGGCGGCGGCACGAGACAGA[A>T]CAACGGCGAACAGGAGCAGGGAAAGCGCCTCCGATAGGCCAGGCCTAGGGACCTGCGGGG-3'
Protein context (NP_004400.4, residues 587-607): EALSLLLFAV[Val597Asp]LSRAAALGCI

ClinVar aggregate classification (germline): Benign (0 of 4 stars; one submission).

Conditions:
DMPK-related disorder. Also called: DMPK-related condition.

Allele frequency attached by ClinVar (database versions not stated): gnomAD exomes 0.00011; gnomAD 0.00025; TOPMed 0.00025; ExAC 0.00059; 1000 Genomes Project 0.00220.
gnomAD v4.1: 189 of 1,552,486 alleles (0.012%); highest among the groups gnomAD compares: East Asian, 0.38%; 2 homozygotes.

Submission:

PreventionGenetics, part of Exact Sciences
Classification: Benign for DMPK-related condition. Last evaluated: 2019-04-25. Review status: no assertion criteria provided. Collection method: clinical testing. Allele origin: germline.
Comment: This variant is classified as benign based on ACMG/AMP sequence variant interpretation guidelines (Richards et al. 2015 PMID: 25741868, with internal and published modifications).